The following is an entry in ClinVar:

NM_015629.4(PRPF31):c.1092G>A (p.Glu364=)

Gene: PRPF31 (pre-mRNA processing factor 31; plus strand). Cytogenetic location: 19q13.42.
Variant type: single nucleotide variant.
Coding change: c.1092G>A on transcript NM_015629.4 (MANE Select); coding-DNA position 1092, G replaced by A.
Protein change: p.Glu364=; no amino-acid change (glutamic acid 364 retained).
Molecular consequence: synonymous variant.
Genome position (GRCh38, 1-based): chr19:54,128,323, G>A. VCF-style: chr19-54128323-G-A. GRCh37 (hg19) VCF-style: chr19-54631698-G-A.
Identifiers: ClinVar variation 4983308 (VCV004983308.1).

ClinVar aggregate classification (germline): Likely benign (1 of 4 stars; one submission).

Conditions:
PRPF31-related disorder. Also called: PRPF31-related condition.

Submission:

PreventionGenetics, part of Exact Sciences
Classification: Likely benign for PRPF31-related condition. Last evaluated: 2024-12-27. Review status: criteria provided, single submitter. Criteria: ACMG Guidelines, 2015. Collection method: clinical testing. Allele origin: germline.
Comment: This variant is classified as likely benign based on ACMG/AMP sequence variant interpretation guidelines (Richards et al. 2015 PMID: 25741868, with internal and published modifications).